The following is an entry in ClinVar:

ClinVar aggregate classification (germline): Uncertain significance (1 of 4 stars; one submission).

gnomAD v4.1: 2 of 1,613,884 alleles (0.00012%); highest among the groups gnomAD compares: African/African-American, 0.0013%; no homozygotes.

Submission:

GeneDx
Classification: Uncertain significance. Last evaluated: 2024-11-22. Review status: criteria provided, single submitter. Criteria: GeneDx Variant Classification Process June 2021. Collection method: clinical testing. Allele origin: germline. Affected: yes.
Comment: Not observed at significant frequency in large population cohorts (gnomAD); In silico analysis supports that this missense variant has a deleterious effect on protein structure/function; Has not been previously published as pathogenic or benign to our knowledge

NM_012208.4(HARS2):c.1340C>A (p.Pro447His)

Gene: HARS2 (histidyl-tRNA synthetase 2, mitochondrial; plus strand). Cytogenetic location: 5q31.3.
Variant type: single nucleotide variant.
Coding change: c.1340C>A on transcript NM_012208.4 (MANE Select); coding-DNA position 1340, C replaced by A.
Protein change: p.Pro447His; replaces proline 447 with histidine.
Molecular consequence: missense variant.
Genome position (GRCh38, 1-based): chr5:140,697,957, C>A. VCF-style: chr5-140697957-C-A. GRCh37 (hg19) VCF-style: chr5-140077542-C-A.
Other names: c.1265C>A, p.Pro422His (NM_001278731.2); c.908C>A, p.Pro303His (NM_001278732.2); c.1358C>A, p.Pro453His (NM_001363535.2); c.1130C>A, p.Pro377His (NM_001363536.2); short protein forms P303H, P377H, P422H, P447H, P453H.
Identifiers: ClinVar variation 3900581 (VCV003900581.1).
Genomic context (GRCh38, chr5:140,697,957, plus strand): 5'-TTCTAAGTCCCTTACTCTGTCTTGATCCTTTTCAGGCAGAGATGCTATACAAGAACAACC[C>A]CAAACTATTAACCCAGCTGCACTATTGTGAGAGCACAGGCATTCCACTGGTGGTCATTAT-3'
Protein context (NP_036340.1, residues 437-457): IKAEMLYKNN[Pro447His]KLLTQLHYCE